The following is an entry in ClinVar:

NM_006517.5(SLC16A2):c.431-2A>G

Gene: SLC16A2 (solute carrier family 16 member 2; plus strand). Cytogenetic location: Xq13.2.
Variant type: single nucleotide variant.
Coding change: c.431-2A>G on transcript NM_006517.5 (MANE Select); the canonical splice acceptor site of the intron before coding-DNA position 431, A replaced by G.
Molecular consequence: splice acceptor variant.
Genome position (GRCh38, 1-based): chrX:74,520,988, A>G. VCF-style: chrX-74520988-A-G. GRCh37 (hg19) VCF-style: chrX-73740823-A-G.
Identifiers: ClinVar variation 1344896 (VCV001344896.4), dbSNP rs2147869490, ClinGen allele CA413656498.

ClinVar aggregate classification (germline): Pathogenic. Review status: criteria provided, single submitter (1 of 4 stars). 2 submissions from 2 submitters: Pathogenic (1). 1 of the submissions does not count toward it. Last evaluated 2024-08-15.

Conditions:
Allan-Herndon-Dudley syndrome (AHDS). Also called: ALLAN-HERNDON SYNDROME; T3 RESISTANCE; TRIIODOTHYRONINE RESISTANCE; MENTAL RETARDATION AND MUSCULAR ATROPHY; Passos-Bueno syndrome. Identifiers: Orphanet 59, MedGen C0795889, MONDO:0010354, OMIM 300523.

Submissions (4):

Greenwood Genetic Center Diagnostic Laboratories, Greenwood Genetic Center
Classification: Pathogenic for Allan-Herndon-Dudley syndrome. Last evaluated: 2024-08-15. Review status: criteria provided, single submitter. Criteria: ACMG Guidelines, 2015. Collection method: clinical testing. Allele origin: germline. Affected: yes.
Comment: PVS1, PS4_Supporting, PM2

Department of Genetics and Endocrinology, Guangzhou Women and Children’s Medical Center
Classification: Likely pathogenic for Allan-Herndon-Dudley syndrome. Review status: no assertion criteria provided. Collection method: case-control. Allele origin: maternal. Affected: yes. Observed: 1 hemizygote. Not counted in ClinVar's aggregate classification.

Dr. Peter K. Rogan Lab, Western University
No classification provided (evidence only). Condition: Nonpapillary renal cell carcinoma. Review status: no classification provided. Collection method: in vitro. Allele origin: not applicable. Functional consequence: retained intron. Not counted in ClinVar's aggregate classification.

Dr. Peter K. Rogan Lab, Western University
No classification provided (evidence only). Condition: Nonpapillary renal cell carcinoma. Review status: no classification provided. Collection method: in vitro. Allele origin: not applicable. Functional consequence: retained intron. Not counted in ClinVar's aggregate classification.